The following is an entry in ClinVar:

NM_001366686.3(SIK3):c.126C>T (p.Ser42=)

Gene: SIK3 (SIK family kinase 3; minus strand). Cytogenetic location: 11q23.3.
Variant type: single nucleotide variant.
Coding change: c.126C>T on transcript NM_001366686.3 (MANE Select); coding-DNA position 126, C replaced by T.
Protein change: p.Ser42=; no amino-acid change (serine 42 retained).
Molecular consequence: synonymous variant. On other transcripts: 5 prime UTR variant (1).
Genome position (GRCh38, 1-based): chr11:117,098,290, G>A on the plus strand (C>T on the coding strand, the complement: SIK3 is on the minus strand). VCF-style: chr11-117098290-G-A. GRCh37 (hg19) VCF-style: chr11-116969006-G-A.
Other names: c.-476C>T (NM_001281748.3); c.126C>T, p.Ser42= (NM_001281749.3, NM_001366687.1, NM_025164.6).
Identifiers: ClinVar variation 3058801 (VCV003058801.2), dbSNP rs779327682, ClinGen allele CA6291021.

ClinVar aggregate classification (germline): Likely benign (0 of 4 stars; one submission).

Conditions:
SIK3-related disorder. Also called: SIK3-related condition.

Allele frequency attached by ClinVar (database versions not stated): gnomAD exomes 0.00002; gnomAD 0.00003.
gnomAD v4.1: 32 of 1,246,288 alleles (0.0026%); highest among the groups gnomAD compares: Admixed American, 0.0036%; no homozygotes.

Submission:

PreventionGenetics, part of Exact Sciences
Classification: Likely benign for SIK3-related condition. Last evaluated: 2019-02-19. Review status: no assertion criteria provided. Collection method: clinical testing. Allele origin: germline.
Comment: This variant is classified as likely benign based on ACMG/AMP sequence variant interpretation guidelines (Richards et al. 2015 PMID: 25741868, with internal and published modifications).